The following is an entry in ClinVar:

ClinVar aggregate classification (germline): Uncertain significance (1 of 4 stars; one submission).

Conditions:
Hypertrophic cardiomyopathy 19. Also called: Familial hypertrophic cardiomyopathy 19. Identifiers: MedGen CN077603, MONDO:0013476.

Submission:

Labcorp Genetics (formerly Invitae), Labcorp
Classification: Uncertain significance for Hypertrophic cardiomyopathy 19. Last evaluated: 2025-04-17. Review status: criteria provided, single submitter. Criteria: Invitae Variant Classification Sherloc (09022015). Collection method: clinical testing. Allele origin: germline.
Comment: This sequence change results in a frameshift in the CALR3 gene (p.Gln377Phefs*14). While this is not anticipated to result in nonsense mediated decay, it is expected to disrupt the last 8 amino acid(s) of the CALR3 protein and extend the protein by 5 additional amino acid residues. This variant is present in population databases (no rsID available, gnomAD 0.0009%). This variant has not been reported in the literature in individuals affected with CALR3-related conditions. Algorithms developed to predict the effect of sequence changes on RNA splicing suggest that this variant may create or strengthen a splice site. In summary, the available evidence is currently insufficient to determine the role of this variant in disease. Therefore, it has been classified as a Variant of Uncertain Significance.

NM_145046.5(CALR3):c.1129_1132del (p.Gln377fs)

Gene: CALR3 (calreticulin 3; minus strand). Cytogenetic location: 19p13.11.
Variant type: Microsatellite.
Coding change: c.1129_1132del on transcript NM_145046.5 (MANE Select); coding-DNA positions 1129 to 1132, 4 bases deleted (CAAT; older notation c.1129_1132delCAAT).
Protein change: p.Gln377fs; shifts the reading frame from glutamine 377.
Molecular consequence: frameshift variant.
Genome position (GRCh38, 1-based): chr19:16,479,154-16,479,157, ATTG deleted on the plus strand (CAAT on the coding strand, the reverse complement: CALR3 is on the minus strand); deleting any 4 consecutive bases within chr19:16,479,154-16,479,162 gives the same sequence; the c. name uses the placement nearest the transcript's 3' end. VCF-style (leftmost placement, unchanged base first): chr19-16479153-AATTG-A. GRCh37 (hg19) VCF-style: chr19-16589964-AATTG-A.
Other names: c.1129_1132delCAAT (NM_145046.4); short protein forms Q377fs.
Identifiers: ClinVar variation 573600 (VCV000573600.7), dbSNP rs1426645883, ClinGen allele CA632000013.